The following is an entry in ClinVar:

ClinVar aggregate classification (germline): Likely pathogenic (1 of 4 stars; one submission).

Conditions:
Beta-D-mannosidosis (MANSB). Also called: MANNOSIDOSIS, BETA A, LYSOSOMAL; BETA-MANNOSIDASE DEFICIENCY; LYSOSOMAL BETA-MANNOSIDASE DEFICIENCY; Beta-Mannosidosis. Identifiers: Orphanet 118, MedGen C4048196, MONDO:0009562, OMIM 248510.

gnomAD v4.1: 5 of 1,590,170 alleles (0.00031%); highest among the groups gnomAD compares: Non-Finnish European, 0.00043%; no homozygotes.

Submission:

Genetics Laboratory, UDIAT-Centre Diagnòstic, Hospital Universitari Parc Tauli
Classification: Likely pathogenic for beta-mannosidosis. Last evaluated: 2024-09-10. Review status: criteria provided, single submitter. Criteria: ACMG Guidelines, 2015. Collection method: clinical testing. Allele origin: unknown. Inheritance: Autosomal recessive inheritance. Affected: yes.
Comment: PM2_supporting;PM3_moderate;PP3_moderate;PP4_supporting

NM_005908.4(MANBA):c.1202A>G (p.Tyr401Cys)

Gene: MANBA (mannosidase beta; minus strand). Cytogenetic location: 4q24.
Variant type: single nucleotide variant.
Coding change: c.1202A>G on transcript NM_005908.4 (MANE Select); coding-DNA position 1202, A replaced by G.
Protein change: p.Tyr401Cys; replaces tyrosine 401 with cysteine.
Molecular consequence: missense variant.
Genome position (GRCh38, 1-based): chr4:102,671,309, T>C on the plus strand (A>G on the coding strand, the complement: MANBA is on the minus strand). VCF-style: chr4-102671309-T-C. GRCh37 (hg19) VCF-style: chr4-103592466-T-C.
Other names: short protein forms Y401C.
Identifiers: ClinVar variation 3897625 (VCV003897625.1).